The following is an entry in ClinVar:

ClinVar aggregate classification (germline): Uncertain significance (1 of 4 stars; one submission).

Conditions:
Intellectual developmental disorder, X-linked 100. Also called: Intellectual disability, X-linked 100. Identifiers: MedGen C3890167, MONDO:0010488, OMIM 300923.

Submission:

Neuberg Centre For Genomic Medicine, NCGM
Classification: Uncertain significance for Intellectual developmental disorder, X-linked 100. Review status: criteria provided, single submitter. Criteria: ACMG Guidelines, 2015. Collection method: clinical testing. Allele origin: germline. Inheritance: X-linked dominant inheritance. Affected: yes.
Comment: The observed missense c.2243G>A(p.Gly748Glu) variant in KIF4A gene has not been reported previously as a pathogenic variant nor as a benign variant, to our knowledge. The p.Gly748Glu variant is absent in gnomAD Exomes database. This variant has not been submitted to the ClinVar database. The amino acid change p.Gly748Glu in KIF4A is predicted as conserved by GERP++ and PhyloP across 100 vertebrates. The amino acid Gly at position 748 is changed to a Glu changing protein sequence and it might alter its composition and physico-chemical properties. Computational evidence (Polyphen - benign, SIFT - Tolerated, and MutationTaster - polymorphism) predicts conflicting evidence on protein structure and function for this variant. For these reasons, this variant has been classified as Variant of Uncertain Significance (VUS).

NM_012310.5(KIF4A):c.2243G>A (p.Gly748Glu)

Gene: KIF4A (kinesin family member 4A; plus strand). Cytogenetic location: Xq13.1.
Variant type: single nucleotide variant.
Coding change: c.2243G>A on transcript NM_012310.5 (MANE Select); coding-DNA position 2243, G replaced by A.
Protein change: p.Gly748Glu; replaces glycine 748 with glutamic acid.
Molecular consequence: missense variant.
Genome position (GRCh38, 1-based): chrX:70,395,681, G>A. VCF-style: chrX-70395681-G-A. GRCh37 (hg19) VCF-style: chrX-69615531-G-A.
Other names: short protein forms G748E.
Identifiers: ClinVar variation 3242151 (VCV003242151.1), dbSNP rs2519689968.